The following is an entry in ClinVar:

NM_000135.4(FANCA):c.995C>A (p.Pro332His)

Gene: FANCA (FA complementation group A; minus strand). Cytogenetic location: 16q24.3.
Variant type: single nucleotide variant.
Coding change: c.995C>A on transcript NM_000135.4 (MANE Select); coding-DNA position 995, C replaced by A.
Protein change: p.Pro332His; replaces proline 332 with histidine.
Molecular consequence: missense variant.
Genome position (GRCh38, 1-based): chr16:89,795,917, G>T on the plus strand (C>A on the coding strand, the complement: FANCA is on the minus strand). VCF-style: chr16-89795917-G-T. GRCh37 (hg19) VCF-style: chr16-89862325-G-T.
Other names: c.995C>A, p.Pro332His (NM_001286167.3); short protein forms P332H.
Identifiers: ClinVar variation 4843026 (VCV004843026.1).
Genomic context (GRCh38, chr16:89,795,917, plus strand): 5'-GCAATCCCCAAAATGGGTAGCAACTGAGCAGCCTCCACACTGGGCCTACCTTTCAGCACA[G>T]GGCTGTGAGTGAGTATCTGAGTCAGGGTATGACTGAAGAACCTCTTCAGAGGATCTGTGG-3'
Protein context (NP_000126.2, residues 322-342): HTLTQILTHS[Pro332His]VLKASDAVQM

ClinVar aggregate classification (germline): Uncertain significance (1 of 4 stars; one submission).

Conditions:
Inborn genetic diseases. Identifiers: MedGen C0950123, MeSH D030342.

Submission:

Ambry Genetics
Classification: Uncertain significance for Inborn genetic diseases. Last evaluated: 2025-12-29. Review status: criteria provided, single submitter. Criteria: Ambry Variant Classification Scheme 2023. Collection method: clinical testing. Allele origin: germline.
Comment: The p.P332H variant (also known as c.995C>A), located in coding exon 11 of the FANCA gene, results from a C to A substitution at nucleotide position 995. The proline at codon 332 is replaced by histidine, an amino acid with similar properties. This amino acid position is conserved. In addition, the in silico prediction for this alteration is inconclusive. Based on the available evidence, the clinical significance of this variant remains unclear.